The following is an entry in ClinVar:

NM_181458.4(PAX3):c.1399C>A (p.Gln467Lys)

Gene: PAX3 (paired box 3; minus strand). Cytogenetic location: 2q36.1.
Variant type: single nucleotide variant.
Coding change: c.1399C>A on transcript NM_181458.4 (MANE Select); coding-DNA position 1399, C replaced by A.
Protein change: p.Gln467Lys; replaces glutamine 467 with lysine.
Molecular consequence: missense variant. On other transcripts: intron variant (2).
Genome position (GRCh38, 1-based): chr2:222,201,965, G>T on the plus strand (C>A on the coding strand, the complement: PAX3 is on the minus strand). VCF-style: chr2-222201965-G-T. GRCh37 (hg19) VCF-style: chr2-223066684-G-T.
Other names: c.1396C>A, p.Gln466Lys (NM_001127366.3); c.1399C>A, p.Gln467Lys (NM_181457.4, NM_181459.4); c.1174-523C>A (NM_181460.4, NM_181461.4); short protein forms Q467K, Q466K.
Identifiers: ClinVar variation 1492374 (VCV001492374.8), dbSNP rs2106033653, ClinGen allele CA351115454.

ClinVar aggregate classification (germline): Uncertain significance (1 of 4 stars; one submission).

Submission:

Labcorp Genetics (formerly Invitae), Labcorp
Classification: Uncertain significance. Last evaluated: 2022-09-27. Review status: criteria provided, single submitter. Criteria: Invitae Variant Classification Sherloc (09022015). Collection method: clinical testing. Allele origin: germline.
Comment: In summary, the available evidence is currently insufficient to determine the role of this variant in disease. Therefore, it has been classified as a Variant of Uncertain Significance. Algorithms developed to predict the effect of missense changes on protein structure and function are either unavailable or do not agree on the potential impact of this missense change (SIFT: "Deleterious"; PolyPhen-2: "Probably Damaging"; Align-GVGD: "Class C0"). ClinVar contains an entry for this variant (Variation ID: 1492374). This variant has not been reported in the literature in individuals affected with PAX3-related conditions. This variant is not present in population databases (gnomAD no frequency). This sequence change replaces glutamine, which is neutral and polar, with lysine, which is basic and polar, at codon 467 of the PAX3 protein (p.Gln467Lys).